The following is an entry in ClinVar:

NM_000264.5(PTCH1):c.614A>G (p.Lys205Arg)

Gene: PTCH1 (patched 1; minus strand). Cytogenetic location: 9q22.32.
Variant type: single nucleotide variant.
Coding change: c.614A>G on transcript NM_000264.5 (MANE Select); coding-DNA position 614, A replaced by G.
Protein change: p.Lys205Arg; replaces lysine 205 with arginine.
Molecular consequence: missense variant. On other transcripts: non-coding transcript variant (1).
Genome position (GRCh38, 1-based): chr9:95,482,174, T>C on the plus strand (A>G on the coding strand, the complement: PTCH1 is on the minus strand). VCF-style: chr9-95482174-T-C. GRCh37 (hg19) VCF-style: chr9-98244456-T-C.
Other names: c.416A>G, p.Lys139Arg (NM_001083602.3, NM_001354919.2); c.611A>G, p.Lys204Arg (NM_001083603.3); c.161A>G, p.Lys54Arg (NM_001083604.3, NM_001083605.3, NM_001083606.3 and 1 more transcripts); c.614A>G, p.Lys205Arg (NM_001354918.2); short protein forms K205R, K139R, K204R, K54R.
Identifiers: ClinVar variation 3784621 (VCV003784621.1).

ClinVar aggregate classification (germline): Uncertain significance (1 of 4 stars; one submission).

Conditions:
Hereditary cancer-predisposing syndrome. Also called: Neoplastic Syndromes, Hereditary; Hereditary Cancer Syndrome; Tumor predisposition; Hereditary neoplastic syndrome. Identifiers: Orphanet 140162, MedGen C0027672, MeSH D009386, MONDO:0015356.

Submission:

Ambry Genetics
Classification: Uncertain significance for Hereditary cancer-predisposing syndrome. Last evaluated: 2024-12-25. Review status: criteria provided, single submitter. Criteria: Ambry Variant Classification Scheme 2023. Collection method: clinical testing. Allele origin: germline.
Comment: The p.K205R variant (also known as c.614A>G), located in coding exon 4 of the PTCH1 gene, results from an A to G substitution at nucleotide position 614. The lysine at codon 205 is replaced by arginine, an amino acid with highly similar properties. This amino acid position is conserved. In addition, this alteration is predicted to be deleterious by in silico analysis. Based on the available evidence, the clinical significance of this variant remains unclear.